The following is an entry in ClinVar:

ClinVar aggregate classification (germline): Uncertain significance (1 of 4 stars; one submission).

Allele frequency attached by ClinVar (database versions not stated): ExAC 0.00001; gnomAD 0.00001; gnomAD exomes 0.00001; TOPMed 0.00001.
gnomAD v4.1: 8 of 1,614,030 alleles (0.0005%); highest among the groups gnomAD compares: Admixed American, 0.01%; no homozygotes.

Submission:

Labcorp Genetics (formerly Invitae), Labcorp
Classification: Uncertain significance. Last evaluated: 2025-03-17. Review status: criteria provided, single submitter. Criteria: Invitae Variant Classification Sherloc (09022015). Collection method: clinical testing. Allele origin: germline.
Comment: This sequence change replaces histidine, which is basic and polar, with arginine, which is basic and polar, at codon 653 of the ACO2 protein (p.His653Arg). This variant is present in population databases (rs768541455, gnomAD 0.02%). This variant has not been reported in the literature in individuals affected with ACO2-related conditions. ClinVar contains an entry for this variant (Variation ID: 2193320). Invitae Evidence Modeling of protein sequence and biophysical properties (such as structural, functional, and spatial information, amino acid conservation, physicochemical variation, residue mobility, and thermodynamic stability) indicates that this missense variant is not expected to disrupt ACO2 protein function with a negative predictive value of 80%. In summary, the available evidence is currently insufficient to determine the role of this variant in disease. Therefore, it has been classified as a Variant of Uncertain Significance.

NM_001098.3(ACO2):c.1958A>G (p.His653Arg)

Genes: ACO2 (aconitase 2; plus strand), POLR3H (RNA polymerase III subunit H; minus strand). Cytogenetic location: 22q13.2.
Variant type: single nucleotide variant.
Coding change: c.1958A>G on transcript NM_001098.3 (MANE Select); coding-DNA position 1958, A replaced by G.
Protein change: p.His653Arg; replaces histidine 653 with arginine.
Molecular consequence: missense variant. On other transcripts: 3 prime UTR variant (5).
Genome position (GRCh38, 1-based): chr22:41,527,292, A>G. VCF-style: chr22-41527292-A-G. GRCh37 (hg19) VCF-style: chr22-41923296-A-G.
Other names: c.*1991T>C (NM_001018050.4, NM_001018052.4, NM_001282884.2 and 2 more transcripts); short protein forms H653R.
Identifiers: ClinVar variation 2193320 (VCV002193320.4), dbSNP rs768541455, ClinGen allele CA10257845.